The following is an entry in ClinVar:

NM_015690.5(STK36):c.948+7G>A

Gene: STK36 (serine/threonine kinase 36; plus strand). Cytogenetic location: 2q35.
Variant type: single nucleotide variant.
Coding change: c.948+7G>A on transcript NM_015690.5 (MANE Select); 7 bases into the intron after coding-DNA position 948, G replaced by A.
Molecular consequence: intron variant.
Genome position (GRCh38, 1-based): chr2:218,679,736, G>A. VCF-style: chr2-218679736-G-A. GRCh37 (hg19) VCF-style: chr2-219544459-G-A.
Other names: c.948+7G>A (NM_001243313.2, NM_001369423.1).
Identifiers: ClinVar variation 3049276 (VCV003049276.3), dbSNP rs376277464, ClinGen allele CA2110637.

ClinVar aggregate classification (germline): Likely benign. Review status: criteria provided, single submitter (1 of 4 stars). 2 submissions from 2 submitters: Likely benign (1). 1 of the submissions does not count toward it. Last evaluated 2024-10-28.

Conditions:
STK36-related disorder. Also called: STK36-related condition.

Allele frequency attached by ClinVar (database versions not stated): gnomAD 0.00044; TOPMed 0.00051; gnomAD exomes 0.00062; ExAC 0.00073; ESP Exome Variant Server 0.00085.
gnomAD v4.1: 967 of 1,613,968 alleles (0.06%); highest among the groups gnomAD compares: Non-Finnish European, 0.074%; 1 homozygote.

Submissions (2):

Blueprint Genetics
Classification: Likely benign. Last evaluated: 2024-10-28. Review status: criteria provided, single submitter. Criteria: ACMG Guidelines, 2015. Collection method: clinical testing. Allele origin: germline.

PreventionGenetics, part of Exact Sciences
Classification: Likely benign for STK36-related condition. Last evaluated: 2019-04-25. Review status: no assertion criteria provided. Collection method: clinical testing. Allele origin: germline. Not counted in ClinVar's aggregate classification.
Comment: This variant is classified as likely benign based on ACMG/AMP sequence variant interpretation guidelines (Richards et al. 2015 PMID: 25741868, with internal and published modifications).